The following is an entry in ClinVar:

ClinVar aggregate classification (germline): Uncertain significance (1 of 4 stars; one submission).

Submission:

CeGaT Center for Human Genetics Tuebingen
Classification: Uncertain significance. Last evaluated: 2026-04-01. Review status: criteria provided, single submitter. Criteria: CeGaT Center For Human Genetics Tuebingen Variant Classification Criteria Version 2. Collection method: clinical testing. Allele origin: germline. Affected: yes. Observed: 1 variant allele.
Comment: CACNA1C: PM2, PP2

NM_000719.7(CACNA1C):c.1135G>T (p.Asp379Tyr)

Gene: CACNA1C (calcium voltage-gated channel subunit alpha1 C; plus strand). Cytogenetic location: 12p13.33.
Variant type: single nucleotide variant.
Coding change: c.1135G>T on transcript NM_000719.7 (MANE Select); coding-DNA position 1135, G replaced by T.
Protein change: p.Asp379Tyr; replaces aspartic acid 379 with tyrosine.
Molecular consequence: missense variant. On other transcripts: intron variant (4).
Genome position (GRCh38, 1-based): chr12:2,504,863, G>T. VCF-style: chr12-2504863-G-T. GRCh37 (hg19) VCF-style: chr12-2614029-G-T.
Other names: c.1126G>T, p.Asp376Tyr (NM_001129844.2); c.1135G>T, p.Asp379Tyr (NM_001129846.2, NM_199460.4, NM_001129838.2 and 14 more transcripts); c.1217+324G>T (NM_001167624.3, NM_001167623.2, NM_001167625.2 and 1 more transcripts); short protein forms D376Y, D379Y.
Identifiers: ClinVar variation 4874766 (VCV004874766.2).